The following is an entry in ClinVar:

NM_013275.6(ANKRD11):c.1377G>T (p.Lys459Asn)

Gene: ANKRD11 (ankyrin repeat domain 11; minus strand). Cytogenetic location: 16q24.3.
Variant type: single nucleotide variant.
Coding change: c.1377G>T on transcript NM_013275.6 (MANE Select); coding-DNA position 1377, G replaced by T.
Protein change: p.Lys459Asn; replaces lysine 459 with asparagine.
Molecular consequence: missense variant.
Genome position (GRCh38, 1-based): chr16:89,285,165, C>A on the plus strand (G>T on the coding strand, the complement: ANKRD11 is on the minus strand). VCF-style: chr16-89285165-C-A. GRCh37 (hg19) VCF-style: chr16-89351573-C-A.
Other names: c.1377G>T, p.Lys459Asn (NM_001256182.2, NM_001256183.2); short protein forms K459N.
Identifiers: ClinVar variation 2159000 (VCV002159000.2), dbSNP rs775907944, ClinGen allele CA397165083.

ClinVar aggregate classification (germline): Uncertain significance (1 of 4 stars; one submission).

Conditions:
KBG syndrome (KBGS). Also called: ANKRD11-Related KBG Syndrome. Identifiers: Orphanet 2332, MedGen C0220687, MONDO:0007846, OMIM 148050.

Allele frequency attached by ClinVar (database versions not stated): gnomAD exomes below 0.00001.
gnomAD v4.1: 3 of 1,613,466 alleles (0.00019%); highest among the groups gnomAD compares: East Asian, 0.0022%; no homozygotes.

Submission:

Labcorp Genetics (formerly Invitae), Labcorp
Classification: Uncertain significance for KBG syndrome. Last evaluated: 2023-05-18. Review status: criteria provided, single submitter. Criteria: Invitae Variant Classification Sherloc (09022015). Collection method: clinical testing. Allele origin: germline.
Comment: In summary, the available evidence is currently insufficient to determine the role of this variant in disease. Therefore, it has been classified as a Variant of Uncertain Significance. Advanced modeling of protein sequence and biophysical properties (such as structural, functional, and spatial information, amino acid conservation, physicochemical variation, residue mobility, and thermodynamic stability) has been performed at Invitae for this missense variant, however the output from this modeling did not meet the statistical confidence thresholds required to predict the impact of this variant on ANKRD11 protein function. ClinVar contains an entry for this variant (Variation ID: 2159000). This variant has not been reported in the literature in individuals affected with ANKRD11-related conditions. This variant is not present in population databases (gnomAD no frequency). This sequence change replaces lysine, which is basic and polar, with asparagine, which is neutral and polar, at codon 459 of the ANKRD11 protein (p.Lys459Asn).